The following is an entry in ClinVar:

NM_201384.3(PLEC):c.265-7C>T

Gene: PLEC (plectin; minus strand). Cytogenetic location: 8q24.3.
Variant type: single nucleotide variant.
Coding change: c.265-7C>T on transcript NM_201384.3 (MANE Select); 7 bases into the intron before coding-DNA position 265, C replaced by T.
Molecular consequence: intron variant.
Genome position (GRCh38, 1-based): chr8:143,937,249, G>A on the plus strand (C>T on the coding strand, the complement: PLEC is on the minus strand). VCF-style: chr8-143937249-G-A. GRCh37 (hg19) VCF-style: chr8-145011417-G-A.
Other names: c.346-7C>T (NM_001410941.1, NM_000445.5); c.223-7C>T (NM_201378.4); c.199-7C>T (NM_201379.3); c.676-7C>T (NM_201380.4); c.169-7C>T (NM_201381.3); c.265-7C>T (NM_201382.4); c.277-7C>T (NM_201383.3).
Identifiers: ClinVar variation 4991229 (VCV004991229.1).

ClinVar aggregate classification (germline): Likely benign (1 of 4 stars; one submission).

Conditions:
PLEC-related disorder. Also called: PLEC-related disorders; PLEC-related condition.

gnomAD v4.1: 1 of 1,610,214 alleles (0.000062%); highest among the groups gnomAD compares: South Asian, 0.0011%; no homozygotes.

Submission:

PreventionGenetics, part of Exact Sciences
Classification: Likely benign for PLEC-related condition. Last evaluated: 2026-02-12. Review status: criteria provided, single submitter. Criteria: ACMG Guidelines, 2015. Collection method: clinical testing. Allele origin: germline.
Comment: This variant is classified as likely benign based on ACMG/AMP sequence variant interpretation guidelines (Richards et al. 2015 PMID: 25741868, with internal and published modifications).